The following is an entry in ClinVar:

NM_000038.6(APC):c.4317_4319del (p.Pro1443del)

Gene: APC (APC regulator of Wnt signaling pathway; plus strand). Cytogenetic location: 5q22.2.
Variant type: Deletion.
Coding change: c.4317_4319del on transcript NM_000038.6 (MANE Select); coding-DNA positions 4317 to 4319, 3 bases deleted (TCC; older notation c.4317_4319delTCC).
Protein change: p.Pro1443del; deletes proline 1443.
Molecular consequence: inframe deletion.
Genome position (GRCh38, 1-based): chr5:112,839,911-112,839,913, TCC deleted; deleting any 3 consecutive bases within chr5:112,839,909-112,839,913 gives the same sequence; the c. name uses the placement nearest the transcript's 3' end. VCF-style (leftmost placement, unchanged base first): chr5-112839908-ACCT-A. GRCh37 (hg19) VCF-style: chr5-112175605-ACCT-A.
Other names: c.4317_4319del, p.Pro1443del (NM_001127510.3, NM_001354895.2); c.4263_4265del, p.Pro1425del (NM_001127511.3); c.4371_4373del, p.Pro1461del (NM_001354896.2); c.4347_4349del, p.Pro1453del (NM_001354897.2); c.4242_4244del, p.Pro1418del (NM_001354898.2); c.4233_4235del, p.Pro1415del (NM_001354899.2); c.4194_4196del, p.Pro1402del (NM_001354900.2); c.4140_4142del, p.Pro1384del (NM_001354901.2); and 6 more; short protein forms P1443del, P1425del, P1415del, P1283del, P1352del, P1384del, P1418del, P1160del.
Identifiers: ClinVar variation 482318 (VCV000482318.19), dbSNP rs974965017, ClinGen allele CA125167783.
Genomic context (GRCh38, chr5:112,839,908, plus strand): 5'-AAGCCCCAGTGATCTTCCAGATAGCCCTGGACAAACCATGCCACCAAGCAGAAGTAAAAC[ACCT>A]CCACCACCTCCTCAAACAGCTCAAACCAAGCGAGAAGTACCTAAAAATAAAGCACCTACT-3'

ClinVar aggregate classification (germline): Uncertain significance. Review status: criteria provided, multiple submitters, no conflicts (2 of 4 stars). 4 submissions from 4 submitters: Uncertain significance (4). Last evaluated 2025-09-30.

Conditions:
Hereditary cancer-predisposing syndrome. Also called: Neoplastic Syndromes, Hereditary; Tumor predisposition; Hereditary Cancer Syndrome; Hereditary neoplastic syndrome. Identifiers: Orphanet 140162, MedGen C0027672, MeSH D009386, MONDO:0015356.
Familial adenomatous polyposis 1 (FAP1). Also called: FAMILIAL ADENOMATOUS POLYPOSIS 1, ATTENUATED; POLYPOSIS, ADENOMATOUS INTESTINAL. Identifiers: MedGen C2713442, MONDO:0021056, OMIM 175100. Disease mechanism: loss of function.

Submissions (4):

Color Diagnostics, LLC DBA Color Health
Classification: Uncertain significance for Hereditary cancer-predisposing syndrome. Last evaluated: 2025-09-30. Review status: criteria provided, single submitter. Criteria: ACMG Guidelines, 2015. Collection method: clinical testing. Allele origin: germline.
Comment: This variant causes an in-frame deletion of 1 amino acid of the APC protein. To our knowledge, functional studies have not been performed for this variant. This variant has not been reported in individuals affected with hereditary cancer in the literature. This variant has been identified in 1/251052 chromosomes in the general population by the Genome Aggregation Database (gnomAD). The available evidence is insufficient to determine the role of this variant in disease conclusively. Therefore, this variant is classified as a Variant of Uncertain Significance.

Ambry Genetics
Classification: Uncertain significance for Hereditary cancer-predisposing syndrome. Last evaluated: 2024-11-18. Review status: criteria provided, single submitter. Criteria: Ambry Variant Classification Scheme 2023. Collection method: clinical testing. Allele origin: germline.
Comment: The c.4317_4319delTCC variant (also known as p.P1443del) is located in coding exon 15 of the APC gene. This variant results from an in-frame TCC deletion at nucleotide positions 4317 to 4319. This results in the in-frame deletion of a proline at codon 1443. This amino acid position is well conserved in available vertebrate species. In addition, this alteration is predicted to be neutral by in silico analysis (Choi Y et al. PLoS ONE. 2012; 7(10):e46688). Based on the available evidence, the clinical significance of this variant remains unclear.

Labcorp Genetics (formerly Invitae), Labcorp
Classification: Uncertain significance for Familial adenomatous polyposis 1. Last evaluated: 2024-06-26. Review status: criteria provided, single submitter. Criteria: Invitae Variant Classification Sherloc (09022015). Collection method: clinical testing. Allele origin: germline.
Comment: This variant, c.4317_4319del, results in the deletion of 1 amino acid(s) of the APC protein (p.Pro1443del), but otherwise preserves the integrity of the reading frame. This variant is present in population databases (no rsID available, gnomAD 0.003%). This variant has not been reported in the literature in individuals affected with APC-related conditions. ClinVar contains an entry for this variant (Variation ID: 482318). Experimental studies and prediction algorithms are not available or were not evaluated, and the functional significance of this variant is currently unknown. In summary, the available evidence is currently insufficient to determine the role of this variant in disease. Therefore, it has been classified as a Variant of Uncertain Significance.

Baylor Genetics
Classification: Uncertain significance for Familial adenomatous polyposis 1. Last evaluated: 2023-05-31. Review status: criteria provided, single submitter. Criteria: ACMG Guidelines, 2015. Collection method: clinical testing. Allele origin: unknown.